The following is an entry in ClinVar:

NM_033641.4(COL4A6):c.4076C>A (p.Ser1359Tyr)

Gene: COL4A6 (collagen type IV alpha 6 chain; minus strand). Cytogenetic location: Xq22.3.
Variant type: single nucleotide variant.
Coding change: c.4076C>A on transcript NM_033641.4 (MANE Select); coding-DNA position 4076, C replaced by A.
Protein change: p.Ser1359Tyr; replaces serine 1359 with tyrosine.
Molecular consequence: missense variant.
Genome position (GRCh38, 1-based): chrX:108,163,032, G>T on the plus strand (C>A on the coding strand, the complement: COL4A6 is on the minus strand). VCF-style: chrX-108163032-G-T. GRCh37 (hg19) VCF-style: chrX-107406262-G-T.
Other names: c.4127C>A, p.Ser1376Tyr (NM_001287758.2); c.4004C>A, p.Ser1335Tyr (NM_001287759.2); c.3905C>A, p.Ser1302Tyr (NM_001287760.2); c.4079C>A, p.Ser1360Tyr (NM_001847.4); short protein forms S1302Y, S1335Y, S1360Y, S1376Y, S1359Y.
Identifiers: ClinVar variation 2714337 (VCV002714337.3), dbSNP rs2521704934, ClinGen allele CA413852724.
Genomic context (GRCh38, chrX:108,163,032, plus strand): 5'-CCAGGAGGAACCTGGACAGCTTCTGCAGTTGGTGTTTGTCCAGGATCACCTTGGAGGCCA[G>T]AAGAGCCTGTGGGCAGGTGGGGGAAATAAGAACATCAGGCTGAGGCAGAGGGAGGTGACG-3'
Protein context (NP_378667.1, residues 1349-1369): MKGKAGPRGS[Ser1359Tyr]GLQGDPGQTP

ClinVar aggregate classification (germline): Uncertain significance (1 of 4 stars; one submission).

Allele frequency attached by ClinVar (database versions not stated): gnomAD exomes 0.00001.
gnomAD v4.1: 10 of 1,195,443 alleles (0.00084%); highest among the groups gnomAD compares: Middle Eastern, 0.023%; no homozygotes.

Submission:

Labcorp Genetics (formerly Invitae), Labcorp
Classification: Uncertain significance. Last evaluated: 2024-03-17. Review status: criteria provided, single submitter. Criteria: Invitae Variant Classification Sherloc (09022015). Collection method: clinical testing. Allele origin: germline.
Comment: This sequence change replaces serine, which is neutral and polar, with tyrosine, which is neutral and polar, at codon 1360 of the COL4A6 protein (p.Ser1360Tyr). This variant is not present in population databases (gnomAD no frequency). This variant has not been reported in the literature in individuals affected with COL4A6-related conditions. Advanced modeling of protein sequence and biophysical properties (such as structural, functional, and spatial information, amino acid conservation, physicochemical variation, residue mobility, and thermodynamic stability) has been performed at Invitae for this missense variant, however the output from this modeling did not meet the statistical confidence thresholds required to predict the impact of this variant on COL4A6 protein function. In summary, the available evidence is currently insufficient to determine the role of this variant in disease. Therefore, it has been classified as a Variant of Uncertain Significance.